The following is an entry in ClinVar:

NM_000284.4(PDHA1):c.650C>T (p.Pro217Leu)

Gene: PDHA1 (pyruvate dehydrogenase E1 subunit alpha 1; plus strand). Cytogenetic location: Xp22.12.
Variant type: single nucleotide variant.
Coding change: c.650C>T on transcript NM_000284.4 (MANE Select); coding-DNA position 650, C replaced by T.
Protein change: p.Pro217Leu; replaces proline 217 with leucine.
Molecular consequence: missense variant.
Genome position (GRCh38, 1-based): chrX:19,355,395, C>T. VCF-style: chrX-19355395-C-T. GRCh37 (hg19) VCF-style: chrX-19373513-C-T.
Other names: c.764C>T, p.Pro255Leu (NM_001173454.2); c.671C>T, p.Pro224Leu (NM_001173455.2); c.557C>T, p.Pro186Leu (NM_001173456.2); short protein forms P217L, P255L, P186L, P224L.
Identifiers: ClinVar variation 430118 (VCV000430118.4), dbSNP rs1131691792, ClinGen allele CA412394443.

ClinVar aggregate classification (germline): Pathogenic. Review status: criteria provided, multiple submitters, no conflicts (2 of 4 stars). 3 submissions from 3 submitters: Pathogenic (2). 1 of the submissions does not count toward it. Last evaluated 2025-10-17.

Conditions:
Inborn genetic diseases. Identifiers: MedGen C0950123, MeSH D030342.
Pyruvate dehydrogenase E1-alpha deficiency (PDHAD). Also called: ATAXIA, INTERMITTENT, WITH PYRUVATE DEHYDROGENASE DEFICIENCY; ATAXIA WITH LACTIC ACIDOSIS I; ATAXIA, INTERMITTENT, WITH ABNORMAL PYRUVATE METABOLISM; Ataxia, intermittent, with pyruvate dehydrogenase, or decarboxylase, deficiency. Identifiers: Orphanet 79243, MedGen C1839413, MONDO:0010717, OMIM 312170.

Submissions (3):

Ambry Genetics
Classification: Pathogenic for Inborn genetic diseases. Last evaluated: 2025-10-17. Review status: criteria provided, single submitter. Criteria: Ambry Variant Classification Scheme 2023. Collection method: clinical testing. Allele origin: germline.
Comment: The c.650C>T (p.P217L) alteration is located in exon 7 (coding exon 7) of the PDHA1 gene. This alteration results from a C to T substitution at nucleotide position 650, causing the proline (P) at amino acid position 217 to be replaced by a leucine (L). This variant was not reported in population-based cohorts in the Genome Aggregation Database (gnomAD). This variant, also known as P188L, was reported in individual(s) with features consistent with pyruvate dehydrogenase deficiency (Hemalatha, 1995; external communication). This amino acid position is highly conserved in available vertebrate species. This missense alteration is located in a region that has a low rate of benign missense variation (Lek, 2016; Firth, 2009). This alteration is predicted to be deleterious by in silico analysis. Based on the available evidence, this alteration is classified as pathogenic.

GeneDx
Classification: Pathogenic. Last evaluated: 2018-04-12. Review status: criteria provided, single submitter. Criteria: GeneDx Variant Classification (06012015). Collection method: clinical testing. Allele origin: germline. Affected: yes.
Comment: Expression of P217L in E coli resulted in no residual enzyme compared to wild-type (Tripatara et al. 1999). P188 is reported to be located between the alpha-helix and beta-sheet of the thiamin pyrophosphate (TPP)-binding motif and is predicted to be crucial for the formation of the TPP-binding cleft (Tripatara et al. 1999). The P217L variant is not observed in large population cohorts (Lek et al., 2016; 1000 Genomes Consortium et al., 2015; Exome Variant Server). The P217L variant is a semi-conservative amino acid substitution. This substitution occurs at a position that is conserved across species. In silico analysis predicts this variant is probably damaging to the protein structure/function. In summary, we interpret this variant as pathogenic.

PDHA1 Study Group, University Children’s Hospital, Paracelsus Medical University
Classification: Pathogenic for Pyruvate dehydrogenase E1-alpha deficiency. Last evaluated: 2024-10-15. Review status: no assertion criteria provided. Collection method: research. Allele origin: de novo. Affected: yes. Observed: 3 variant alleles. Not counted in ClinVar's aggregate classification.
Comment: The NM_000284.3:c.650C>T (p.Pro217Leu) substitution is a missense variant in PDHA1 gene. In total, 3 individuals were diagnosed with PDHA1-related Pyruvate dehydrogenase complex (PDHc) deficiency (MIM #312170). Among them, 2 cases had confirmed de novo occurrence. The variant has been reported in 1 published case (PMIDs: 7757088, 23021068, 28918066). Additional 2 unpublished cases from internal data are included. Last literature search: July 12, 2024. This variant is absent or extremely rare in population-based cohorts in the Genome Aggregation Database (gnomAD). Individuals harboring this variant presented with clinical features compatible with PDHA1-related PDHc deficiency. In summary, this variant meets criteria to be classified as pathogenic (P) for PDHA1-related PDHc deficiency based on the ACMG/AMP criteria applied: PS3, PM1, PM2, PM7, PP3 (last assessment October 15, 2024).

Literature cited by the submitters: PubMed 7759088 (cited by Ambry Genetics); PubMed 10375397 (cited by Ambry Genetics); PubMed 7757088 (cited by PDHA1 Study Group, University Children’s Hospital, Paracelsus Medical University); PubMed 23021068 (cited by PDHA1 Study Group, University Children’s Hospital, Paracelsus Medical University); PubMed 28918066 (cited by PDHA1 Study Group, University Children’s Hospital, Paracelsus Medical University); DOI 10.1093/brain/awaf430 (cited by PDHA1 Study Group, University Children’s Hospital, Paracelsus Medical University).